The following is an entry in ClinVar:

ClinVar aggregate classification (germline): Pathogenic (1 of 4 stars; one submission).

Submission:

Greenwood Genetic Center Diagnostic Laboratories, Greenwood Genetic Center
Classification: Pathogenic. Last evaluated: 2021-01-20. Review status: criteria provided, single submitter. Criteria: ACMG Guidelines, 2015. Collection method: clinical testing. Allele origin: germline. Affected: yes.
Comment: PVS1, PS2, PM2

NM_001356.5(DDX3X):c.79_80insT (p.Gln27fs)

Gene: DDX3X (DEAD-box helicase 3 X-linked; plus strand). Cytogenetic location: Xp11.4.
Variant type: Insertion.
Coding change: c.79_80insT on transcript NM_001356.5 (MANE Select); coding-DNA positions 79 to 80, T inserted.
Protein change: p.Gln27fs; shifts the reading frame from glutamine 27.
Molecular consequence: frameshift variant. On other transcripts: 5 prime UTR variant (1), non-coding transcript variant (2).
Genome position: GRCh38 VCF-style: chrX-41337441-C-CT. GRCh37 (hg19) VCF-style: chrX-41196694-C-CT.
Other names: c.79_80insT, p.Gln27fs (NM_001193416.3, NM_001193417.3); c.-1825_-1824insT (NM_001363819.1); short protein forms Q27fs.
Identifiers: ClinVar variation 1331655 (VCV001331655.4), dbSNP rs2147340518, ClinGen allele CA2573055307.